The following is an entry in ClinVar:

ClinVar aggregate classification (germline): Uncertain significance (1 of 4 stars; one submission).

Conditions:
Hereditary cancer-predisposing syndrome. Also called: Hereditary neoplastic syndrome; Neoplastic Syndromes, Hereditary; Tumor predisposition; Hereditary Cancer Syndrome. Identifiers: Orphanet 140162, MedGen C0027672, MeSH D009386, MONDO:0015356.

Submission:

Ambry Genetics
Classification: Uncertain significance for Hereditary cancer-predisposing syndrome. Last evaluated: 2025-07-15. Review status: criteria provided, single submitter. Criteria: Ambry Variant Classification Scheme 2023. Collection method: clinical testing. Allele origin: germline.
Comment: The p.E128A variant (also known as c.383A>C), located in coding exon 4 of the POT1 gene, results from an A to C substitution at nucleotide position 383. The glutamic acid at codon 128 is replaced by alanine, an amino acid with dissimilar properties. This amino acid position is conserved. In addition, this alteration is predicted to be tolerated by in silico analysis. Based on the available evidence, the clinical significance of this variant remains unclear.

NM_015450.3(POT1):c.383A>C (p.Glu128Ala)

Gene: POT1 (protection of telomeres 1; minus strand). Cytogenetic location: 7q31.33.
Variant type: single nucleotide variant.
Coding change: c.383A>C on transcript NM_015450.3 (MANE Select); coding-DNA position 383, A replaced by C.
Protein change: p.Glu128Ala; replaces glutamic acid 128 with alanine.
Molecular consequence: missense variant. On other transcripts: 5 prime UTR variant (1), non-coding transcript variant (3).
Genome position (GRCh38, 1-based): chr7:124,863,513, T>G on the plus strand (A>C on the coding strand, the complement: POT1 is on the minus strand). VCF-style: chr7-124863513-T-G. GRCh37 (hg19) VCF-style: chr7-124503567-T-G.
Other names: c.-11A>C (NM_001042594.2); short protein forms E128A.
Identifiers: ClinVar variation 4141934 (VCV004141934.1).